The following is an entry in ClinVar:

NM_001606.5(ABCA2):c.1356C>T (p.His452=)

Gene: ABCA2 (ATP binding cassette subfamily A member 2; minus strand). Cytogenetic location: 9q34.3.
Variant type: single nucleotide variant.
Coding change: c.1356C>T on transcript NM_001606.5 (MANE Select); coding-DNA position 1356, C replaced by T.
Protein change: p.His452=; no amino-acid change (histidine 452 retained).
Molecular consequence: synonymous variant.
Genome position (GRCh38, 1-based): chr9:137,020,405, G>A on the plus strand (C>T on the coding strand, the complement: ABCA2 is on the minus strand). VCF-style: chr9-137020405-G-A. GRCh37 (hg19) VCF-style: chr9-139914857-G-A.
Other names: c.1353C>T, p.His451= (NM_001411042.1); c.1446C>T, p.His482= (NM_212533.3).
Identifiers: ClinVar variation 4875238 (VCV004875238.2).

ClinVar aggregate classification (germline): Likely benign (1 of 4 stars; one submission).

gnomAD v4.1: 5 of 1,613,042 alleles (0.00031%); highest among the groups gnomAD compares: Admixed American, 0.0067%; no homozygotes.

Submission:

CeGaT Center for Human Genetics Tuebingen
Classification: Likely benign. Last evaluated: 2026-06-01. Review status: criteria provided, single submitter. Criteria: CeGaT Center For Human Genetics Tuebingen Variant Classification Criteria Version 2. Collection method: clinical testing. Allele origin: germline. Affected: yes. Observed: 1 variant allele.
Comment: ABCA2: BP4, BP7